The following is an entry in ClinVar:

ClinVar aggregate classification (germline): Uncertain significance. Review status: criteria provided, multiple submitters, no conflicts (2 of 4 stars). 2 submissions from 2 submitters: Uncertain significance (2). Last evaluated 2026-01-13.

Conditions:
TTN-related disorder. Also called: TTN-related disorders; TTN-related condition; TTN-related disease.

Allele frequency attached by ClinVar (database versions not stated): ExAC 0.00001.
gnomAD v4.1: 8 of 1,613,702 alleles (0.0005%); highest among the groups gnomAD compares: South Asian, 0.0033%; no homozygotes.

Submissions (2):

PreventionGenetics, part of Exact Sciences
Classification: Uncertain significance for TTN-related condition. Last evaluated: 2026-01-13. Review status: criteria provided, single submitter. Criteria: ACMG Guidelines, 2015. Collection method: clinical testing. Allele origin: germline.
Comment: The TTN c.17018A>G variant is predicted to result in the amino acid substitution p.Asp5673Gly. To our knowledge, this variant has not been reported in the literature. This variant is reported in 0.0065% of alleles in individuals of South Asian descent in gnomAD. At this time, the clinical significance of this variant is uncertain due to the absence of conclusive functional and genetic evidence.

Revvity Omics, Revvity
Classification: Uncertain significance. Last evaluated: 2023-05-15. Review status: criteria provided, single submitter. Criteria: ACMG Guidelines, 2015. Collection method: clinical testing. Allele origin: germline.

NM_001267550.2(TTN):c.17018A>G (p.Asp5673Gly)

Genes: TTN (titin; minus strand), LOC126806431 (CDK7 strongly-dependent group 2 enhancer GRCh37_chr2:179595719-179596918; plus strand). Cytogenetic location: 2q31.2.
Variant type: single nucleotide variant.
Coding change: c.17018A>G on transcript NM_001267550.2 (MANE Select); coding-DNA position 17018, A replaced by G.
Protein change: p.Asp5673Gly; replaces aspartic acid 5673 with glycine.
Molecular consequence: missense variant. On other transcripts: intron variant (3).
Genome position (GRCh38, 1-based): chr2:178,731,857, T>C on the plus strand (A>G on the coding strand, the complement: TTN is on the minus strand). VCF-style: chr2-178731857-T-C. GRCh37 (hg19) VCF-style: chr2-179596584-T-C.
Other names: c.16067A>G, p.Asp5356Gly (NM_001256850.1); c.13286A>G, p.Asp4429Gly (NM_133378.4); c.13282+6225A>G (NM_003319.4); c.13858+6225A>G (NM_133437.4); c.13657+6225A>G (NM_133432.3); short protein forms D4429G, D5356G, D5673G.
Identifiers: ClinVar variation 2690333 (VCV002690333.3), dbSNP rs774163706, ClinGen allele CA2001928.
Genomic context (GRCh38, chr2:178,731,857, plus strand): 5'-CTAACCAGATGATCCTGAATGAAAGTCTTATACTTTCTACCACTTCGCAGGATTGTGTTA[T>C]CTTTGAACCAAGTGATCTCAAAGGGAGGAGTGCCTGCCACCTCAGCCAGCAACATGACAT-3'
Protein context (NP_001254479.2, residues 5663-5683): TPPFEITWFK[Asp5673Gly]NTILRSGRKY